The following continues an entry in ClinVar:

NM_000051.4(ATM):c.544G>C (p.Val182Leu)

Gene: ATM. ClinVar aggregate classification (germline): Benign/Likely benign. Benign (19); Likely benign (4).

Submissions 28 to 32 of 32:

Clinical Genetics Laboratory, Department of Pathology, Netherlands Cancer Institute
Classification: Benign. Review status: no assertion criteria provided. Collection method: clinical testing. Allele origin: germline. Affected: yes. Study: VKGL Data-share Consensus. Not counted in ClinVar's aggregate classification.

Clinical Genetics, Academic Medical Center
Classification: Benign. Review status: no assertion criteria provided. Collection method: clinical testing. Allele origin: germline. Affected: yes. Study: VKGL Data-share Consensus. Not counted in ClinVar's aggregate classification.

Department of Pathology and Laboratory Medicine, Sinai Health System
Classification: Benign for Malignant tumor of breast. Review status: no assertion criteria provided. Collection method: clinical testing. Allele origin: unknown. Affected: yes. Study: The Canadian Open Genetics Repository (COGR). Not counted in ClinVar's aggregate classification.
Comment: ATM, EXON6, c.544G>C, p.Val182Leu, Heterozygous, Benign The ATM p.Val182Leu variant was identified in 7 of 856 proband chromosomes (frequency: 0.008) from a multiethnic American cohort of individuals or families with breast cancer and in 4 of 852 control chromosomes (frequency: 0.005) from healthy women (Bretsky 2003). The variant was also identified in dbSNP (ID: rs3218707) as â€šÃ„ÃºWith other alleleâ€šÃ„Ã¹ and ClinVar (classified as benign by GeneDx, Ambry Genetics, Invitae, Prevention Genetics, and four other submitters; and as likely benign by Vantari Genetics and True Health Diagnostics). The variant was not identified in LOVD 3.0. The variant was identified in control databases in 814 of 273878 chromosomes at a frequency of 0.003 (Genome Aggregation Database Feb 27, 2017), increasing the likelihood this could be a low frequency benign variant. It was observed in the following populations: African in 526 of 23792 chromosomes (freq: 0.02) (1 homozygote in ExAC), Other in 19 of 6360 chromosomes (freq: 0.003), Latino in 159 of 34126 chromosomes (freq: 0.005), European Non-Finnish in 96 of 124726 chromosomes (freq: 0.0008) (1 homozygote in ExAC), Ashkenazi Jewish in 5 of 10042 chromosomes (freq: 0.0005), European Finnish in 7 of 25552 chromosomes (freq: 0.0003), and South Asian in 2 of 30596 chromosomes (freq: 0.00007); it was not observed in the East Asian population. The variant was identified by our laboratory in 6 individuals with breast, colon or endometrial cancers, co-occurring with multiple pathogenic variants: BRCA2, c.2957_2958insG (p.Asn986Lysfs*2) and CHEK2, c.1100del (p.Thr367Metfs*15). The p.Val182 residue is not conserved in mammals and computational analyses (PolyPhen-2, SIFT, AlignGVGD, BLOSUM, MutationTaster) do not suggest a high likelihood the Leu variant impacts the protein; however, this information is not predictive enough to rule out pathogenicity. The variant occurs outside of the splicing consensus sequence and in silico or computational prediction software programs (SpliceSiteFinder, MaxEntScan, NNSPLICE, GeneSplicer) do not predict a difference in splicing. In summary, based on the above information this variant meets our laboratory's criteria to be classified as benign. Assessment Date: 2019/07/03 References (PMIDs): 11821961, 12917204, 17640065

Joint Genome Diagnostic Labs from Nijmegen and Maastricht, Radboudumc and MUMC+
Classification: Benign. Review status: no assertion criteria provided. Collection method: clinical testing. Allele origin: germline. Affected: yes. Study: VKGL Data-share Consensus. Not counted in ClinVar's aggregate classification.

Laboratory of Diagnostic Genome Analysis, Leiden University Medical Center (LUMC)
Classification: Likely benign. Review status: no assertion criteria provided. Collection method: clinical testing. Allele origin: germline. Affected: yes. Study: VKGL Data-share Consensus. Not counted in ClinVar's aggregate classification.

Literature cited by the submitters: PubMed 17640065 (cited by 3 submitters); PubMed 10534763 (cited by Athena Diagnostics and Quest Diagnostics Nichols Institute San Juan Capistrano); PubMed 25980754 (cited by Athena Diagnostics and Quest Diagnostics Nichols Institute San Juan Capistrano); PubMed 12935922 (cited by Athena Diagnostics and Quest Diagnostics Nichols Institute San Juan Capistrano); PubMed 22995991 (cited by Athena Diagnostics and Quest Diagnostics Nichols Institute San Juan Capistrano); PubMed 24728327 (cited by 3 submitters); PubMed 22529920 (cited by Athena Diagnostics and Quest Diagnostics Nichols Institute San Juan Capistrano); PubMed 17341484 (cited by Athena Diagnostics and Quest Diagnostics Nichols Institute San Juan Capistrano); PubMed 19404735 (cited by Athena Diagnostics and Quest Diagnostics Nichols Institute San Juan Capistrano); PubMed 28652578 (cited by Athena Diagnostics and Quest Diagnostics Nichols Institute San Juan Capistrano); PubMed 19781682 (cited by Athena Diagnostics and Quest Diagnostics Nichols Institute San Juan Capistrano); PubMed 12917204 (cited by Athena Diagnostics and Quest Diagnostics Nichols Institute San Juan Capistrano).